The following is an entry in ClinVar:

ClinVar aggregate classification (germline): Uncertain significance (1 of 4 stars; one submission).

gnomAD v4.1: 25 of 1,613,546 alleles (0.0015%); highest among the groups gnomAD compares: South Asian, 0.019%; no homozygotes.

Submission:

Dasa
Classification: Uncertain significance. Last evaluated: 2026-08-08. Review status: criteria provided, single submitter. Criteria: DASA Assertion Criteria. Collection method: clinical testing. Allele origin: germline.
Comment: NM_002224.4(ITPR3):c.3916G>A (p.Val1306Ile) is a missense variant that results in the substitution of valine with isoleucine. This variant is rare in population databases. The currently available literature and clinical evidence are not sufficient to establish a definitive association between this variant and the reported condition. Therefore, this variant is classified as a variant of uncertain significance.

NM_002224.4(ITPR3):c.3916G>A (p.Val1306Ile)

Gene: ITPR3 (inositol 1,4,5-trisphosphate receptor type 3; plus strand). Cytogenetic location: 6p21.31.
Variant type: single nucleotide variant.
Coding change: c.3916G>A on transcript NM_002224.4 (MANE Select); coding-DNA position 3916, G replaced by A.
Protein change: p.Val1306Ile; replaces valine 1306 with isoleucine.
Molecular consequence: missense variant.
Genome position (GRCh38, 1-based): chr6:33,678,783, G>A. VCF-style: chr6-33678783-G-A. GRCh37 (hg19) VCF-style: chr6-33646560-G-A.
Other names: short protein forms V1306I.
Identifiers: ClinVar variation 5020456 (VCV005020456.1).
Genomic context (GRCh38, chr6:33,678,783, plus strand): 5'-TTCGTGCACCTGCTGGCCACGCACGGGCGCCATGTGCAGTACCTGGACTTCCTGCACACC[G>A]TCATTAAGGCCGAGGGCAAGTACGTCAAGAAGTGCCAGGACATGATCATGACTGAGGTGA-3'
Protein context (NP_002215.2, residues 1296-1316): HVQYLDFLHT[Val1306Ile]IKAEGKYVKK